The following is an entry in ClinVar:

NM_001291303.3(FAT4):c.9200G>A (p.Gly3067Glu)

Gene: FAT4 (FAT atypical cadherin 4; plus strand). Cytogenetic location: 4q28.1.
Variant type: single nucleotide variant.
Coding change: c.9200G>A on transcript NM_001291303.3 (MANE Select); coding-DNA position 9200, G replaced by A.
Protein change: p.Gly3067Glu; replaces glycine 3067 with glutamic acid.
Molecular consequence: missense variant.
Genome position (GRCh38, 1-based): chr4:125,450,210, G>A. VCF-style: chr4-125450210-G-A. GRCh37 (hg19) VCF-style: chr4-126371365-G-A.
Other names: c.9200G>A, p.Gly3067Glu (NM_001291285.3); c.9194G>A, p.Gly3065Glu (NM_024582.6); short protein forms G3067E, G3065E.
Identifiers: ClinVar variation 1354130 (VCV001354130.6), dbSNP rs867017568, ClinGen allele CA104881675.

ClinVar aggregate classification (germline): Uncertain significance (1 of 4 stars; one submission).

Allele frequency attached by ClinVar (database versions not stated): gnomAD exomes below 0.00001.

Submission:

Labcorp Genetics (formerly Invitae), Labcorp
Classification: Uncertain significance. Last evaluated: 2022-08-22. Review status: criteria provided, single submitter. Criteria: Invitae Variant Classification Sherloc (09022015). Collection method: clinical testing. Allele origin: germline.
Comment: This variant is not present in population databases (gnomAD no frequency). This sequence change replaces glycine, which is neutral and non-polar, with glutamic acid, which is acidic and polar, at codon 3065 of the FAT4 protein (p.Gly3065Glu). This variant has not been reported in the literature in individuals affected with FAT4-related conditions. In summary, the available evidence is currently insufficient to determine the role of this variant in disease. Therefore, it has been classified as a Variant of Uncertain Significance. Advanced modeling of protein sequence and biophysical properties (such as structural, functional, and spatial information, amino acid conservation, physicochemical variation, residue mobility, and thermodynamic stability) performed at Invitae indicates that this missense variant is expected to disrupt FAT4 protein function. ClinVar contains an entry for this variant (Variation ID: 1354130).